The following is an entry in ClinVar:

NM_201596.3(CACNB2):c.1776C>A (p.Asp592Glu)

Gene: CACNB2 (calcium voltage-gated channel auxiliary subunit beta 2; plus strand). Cytogenetic location: 10p12.31.
Variant type: single nucleotide variant.
Coding change: c.1776C>A on transcript NM_201596.3 (MANE Select); coding-DNA position 1776, C replaced by A.
Protein change: p.Asp592Glu; replaces aspartic acid 592 with glutamic acid.
Molecular consequence: missense variant.
Genome position (GRCh38, 1-based): chr10:18,539,517, C>A. VCF-style: chr10-18539517-C-A. GRCh37 (hg19) VCF-style: chr10-18828446-C-A.
Other names: p.D537E:GAC>GAA; p.Asp538Glu; c.1611C>A, p.Asp537Glu (NM_000724.4); c.1578C>A, p.Asp526Glu (NM_001167945.2); c.1497C>A, p.Asp499Glu (NM_001330060.2); c.1632C>A, p.Asp544Glu (NM_201570.3); c.1692C>A, p.Asp564Glu (NM_201571.4); c.1620C>A, p.Asp540Glu (NM_201572.4); and 3 more; short protein forms D537E, D538E, D592E, D544E, D554E, D568E, D540E, D526E.
Identifiers: ClinVar variation 161213 (VCV000161213.29), dbSNP rs144182966, ClinGen allele CA235685.
Genomic context (GRCh38, chr10:18,539,517, plus strand): 5'-AGATTATTCCCATGACCACGTGGACCACTATGCCTCACACCGTGACCACAACCACAGAGA[C>A]GAGACCCACGGGAGCAGTGACCACAGACACAGGGAGTCCCGGCACCGTTCCCGGGACGTG-3'
Protein context (NP_963890.2, residues 582-602): YASHRDHNHR[Asp592Glu]ETHGSSDHRH

ClinVar aggregate classification (germline): Conflicting classifications of pathogenicity. Review status: criteria provided, conflicting classifications (1 of 4 stars). 12 submissions from 12 submitters: Uncertain significance (2); Likely benign (8). 2 of the submissions do not count toward it. Last evaluated 2026-01-26.

Conditions:
Cardiovascular phenotype. Identifiers: MedGen CN230736.
CACNB2-related disorder. Also called: CACNB2-related condition.
Brugada syndrome. Also called: Sudden unexplained nocturnal death syndrome; Sudden unexpected nocturnal death syndrome; Sudden Unexplained Death Syndrome; Sudden Unexplained Nocturnal Death Syndrome (SUNDS). Identifiers: Orphanet 130, MedGen C1142166, MONDO:0015263.
Brugada syndrome 4 (BRGDA4). Identifiers: Orphanet 130, MedGen C2678477, MONDO:0012743, OMIM 611876.

Allele frequency attached by ClinVar (database versions not stated): ESP Exome Variant Server 0.00031; TOPMed 0.00035; gnomAD 0.00045.
gnomAD v4.1: 708 of 1,613,940 alleles (0.044%); highest among the groups gnomAD compares: South Asian, 0.065%; 3 homozygotes.

Submissions (12):

Labcorp Genetics (formerly Invitae), Labcorp
Classification: Likely benign for Brugada syndrome 4. Last evaluated: 2026-01-26. Review status: criteria provided, single submitter. Criteria: Invitae Variant Classification Sherloc (09022015). Collection method: clinical testing. Allele origin: germline.

Mayo Clinic Laboratories, Mayo Clinic
Classification: Likely benign. Last evaluated: 2025-10-08. Review status: criteria provided, single submitter. Criteria: ACMG Guidelines, 2015. Collection method: clinical testing. Allele origin: germline. Observed: 1 variant allele.
Comment: BS1, BS2, BP4

PreventionGenetics, part of Exact Sciences
Classification: Likely benign for CACNB2-related condition. Last evaluated: 2025-03-11. Review status: criteria provided, single submitter. Criteria: ACMG Guidelines, 2015. Collection method: clinical testing. Allele origin: germline.
Comment: This variant is classified as likely benign based on ACMG/AMP sequence variant interpretation guidelines (Richards et al. 2015 PMID: 25741868, with internal and published modifications).

Blueprint Genetics
Classification: Likely benign. Last evaluated: 2024-11-25. Review status: criteria provided, single submitter. Criteria: ACMG Guidelines, 2015. Collection method: clinical testing. Allele origin: germline.

Women's Health and Genetics/Laboratory Corporation of America, LabCorp
Classification: Likely benign. Last evaluated: 2024-10-07. Review status: criteria provided, single submitter. Criteria: LabCorp Variant Classification Summary - May 2015. Collection method: clinical testing. Allele origin: germline.
Comment: Variant summary: CACNB2 c.1614C>A (p.Asp538Glu) results in a conservative amino acid change in the encoded protein sequence. Five of five in-silico tools predict a benign effect of the variant on protein function. The variant allele was found at a frequency of 0.00044 in 251314 control chromosomes. The observed variant frequency is approximately 140 fold of the estimated maximal expected allele frequency for a pathogenic variant in CACNB2 causing Brugada Syndrome phenotype (3.1e-06). c.1614C>A has been reported in the literature in individuals affected with Brugada Syndrome (Campuzano_2019, Burashnikov_2010). These report(s) do not provide unequivocal conclusions about association of the variant with Brugada Syndrome. To our knowledge, no experimental evidence demonstrating an impact on protein function has been reported. The following publications have been ascertained in the context of this evaluation (PMID: 20817017, 30821013). ClinVar contains an entry for this variant (Variation ID: 161213). Based on the evidence outlined above, the variant was classified as likely benign.

Ambry Genetics
Classification: Likely benign for Cardiovascular phenotype. Last evaluated: 2018-10-09. Review status: criteria provided, single submitter. Criteria: Ambry Variant Classification Scheme 2023. Collection method: clinical testing. Allele origin: germline.

GeneDx
Classification: Likely benign. Last evaluated: 2017-08-11. Review status: criteria provided, single submitter. Criteria: GeneDx Variant Classification (06012015). Collection method: clinical testing. Allele origin: germline. Affected: yes.
Comment: This variant is considered likely benign or benign based on one or more of the following criteria: it is a conservative change, it occurs at a poorly conserved position in the protein, it is predicted to be benign by multiple in silico algorithms, and/or has population frequency not consistent with disease.

Laboratory for Molecular Medicine, Mass General Brigham Personalized Medicine
Classification: Uncertain significance. Last evaluated: 2016-06-16. Review status: criteria provided, single submitter. Criteria: LMM Criteria. Collection method: clinical testing. Allele origin: germline.
Comment: Variant identified in a genome or exome case(s) and assessed due to predicted null impact of the variant or pathogenic assertions in the literature or databases. Disclaimer: This variant has not undergone full assessment. The following are preliminary notes: Frequency; Multiple papers classify as VUS; ClinVar: 1 LB, 2 VUS

CSER _CC_NCGL, University of Washington
Classification: Uncertain significance for Brugada syndrome. Last evaluated: 2014-06-01. Review status: criteria provided, single submitter. Criteria: Amendola et al. (Genome Res. 2015). Collection method: research. Allele origin: germline. Inheritance: Autosomal dominant inheritance. Study: ESP 6500 variant annotation.
Comment: Low GERP score may suggest that this variant may belong in a lower pathogenicity class

Variants classified for the Actionable exomic incidental findings in 6503 participants: challenges of variant classification manuscript

Biesecker Lab/Clinical Genomics Section, National Institutes of Health
Classification: Likely benign. Last evaluated: 2013-06-24. Review status: criteria provided, single submitter. Criteria: Ng et al. (Circ Cardiovasc Genet. 2013). Collection method: research. Allele origin: unknown. Observed: 3 variant alleles. Study: ClinSeq.
Comment: The study set was not selected for affection status in relation to any cancer. Pathogenicity categories were based on literature curation. See Pubmed ID:23861362 for details.

Medical sequencing

Clinical Genetics, Academic Medical Center
Classification: Likely benign. Review status: no assertion criteria provided. Collection method: clinical testing. Allele origin: germline. Affected: yes. Study: VKGL Data-share Consensus. Not counted in ClinVar's aggregate classification.

Joint Genome Diagnostic Labs from Nijmegen and Maastricht, Radboudumc and MUMC+
Classification: Benign. Review status: no assertion criteria provided. Collection method: clinical testing. Allele origin: germline. Affected: yes. Study: VKGL Data-share Consensus. Not counted in ClinVar's aggregate classification.

Literature cited by the submitters: PubMed 20817017 (cited by 3 submitters); PubMed 22090166 (cited by Mayo Clinic Laboratories, Mayo Clinic and Ambry Genetics); PubMed 23414114 (cited by Mayo Clinic Laboratories, Mayo Clinic and Ambry Genetics); PubMed 27711072 (cited by Mayo Clinic Laboratories, Mayo Clinic and Ambry Genetics); PubMed 30821013 (cited by Women's Health and Genetics/Laboratory Corporation of America, LabCorp); PubMed 24055113 (cited by Ambry Genetics); PubMed 25637381 (cited by Ambry Genetics).